The following is an entry in ClinVar:

ClinVar aggregate classification (germline): Pathogenic/Likely pathogenic. Review status: criteria provided, multiple submitters, no conflicts (2 of 4 stars). 2 submissions from 2 submitters: Pathogenic (1); Likely pathogenic (1). Last evaluated 2025-12-22.

Conditions:
Cholestanol storage disease (CTX). Also called: Cerebrotendinous Xanthomatosis; CTX: Cerebrotendinous xanthomatosis; CEREBRAL CHOLESTERINOSIS. Identifiers: Orphanet 909, MedGen C0238052, MONDO:0008948, OMIM 213700.

Submissions (2):

Labcorp Genetics (formerly Invitae), Labcorp
Classification: Pathogenic for Cholestanol storage disease. Last evaluated: 2025-12-22. Review status: criteria provided, single submitter. Criteria: Invitae Variant Classification Sherloc (09022015). Collection method: clinical testing. Allele origin: germline.
Comment: This sequence change creates a premature translational stop signal (p.Gln80*) in the CYP27A1 gene. It is expected to result in an absent or disrupted protein product. Loss-of-function variants in CYP27A1 are known to be pathogenic (PMID: 9392430, 10775536, 26937392). This variant is not present in population databases (gnomAD no frequency). This variant has not been reported in the literature in individuals affected with CYP27A1-related conditions. ClinVar contains an entry for this variant (Variation ID: 1937463). For these reasons, this variant has been classified as Pathogenic.

Natera, Inc.
Classification: Likely pathogenic for Cerebrotendinous xanthomatosis. Last evaluated: 2024-04-23. Review status: criteria provided, single submitter. Criteria: Natera Variant Classification Schema (03/2026). Collection method: clinical testing. Allele origin: germline.
Comment: The c.238C>T variant in CYP27A1 is a nonsense variant predicted to introduce a stop codon at amino acid 80. This variant is expected to result in nonsense mediated decay, truncation, or a dysfunctional protein product. This variant is rare in the general population with a frequency below the threshold expected for the associated phenotype(s). Given the available evidence, this variant is classified as Likely Pathogenic.

Literature cited by the submitters: PubMed 9392430 (cited by Labcorp Genetics (formerly Invitae), Labcorp); PubMed 10775536 (cited by Labcorp Genetics (formerly Invitae), Labcorp); PubMed 26937392 (cited by Labcorp Genetics (formerly Invitae), Labcorp).

NM_000784.4(CYP27A1):c.238C>T (p.Gln80Ter)

Gene: CYP27A1 (cytochrome P450 family 27 subfamily A member 1; plus strand). Cytogenetic location: 2q35.
Variant type: single nucleotide variant.
Coding change: c.238C>T on transcript NM_000784.4 (MANE Select); coding-DNA position 238, C replaced by T.
Protein change: p.Gln80Ter; replaces glutamine 80 with a stop codon.
Molecular consequence: nonsense.
Genome position (GRCh38, 1-based): chr2:218,782,420, C>T. VCF-style: chr2-218782420-C-T. GRCh37 (hg19) VCF-style: chr2-219647143-C-T.
Other names: c.238C>T (NM_000784.3); short protein forms Q80*.
Identifiers: ClinVar variation 1937463 (VCV001937463.6), dbSNP rs1943401478, ClinGen allele CA350576986.